The following is an entry in ClinVar:

ClinVar aggregate classification (germline): Uncertain significance (1 of 4 stars; one submission).

Conditions:
Charcot-Marie-Tooth disease type 4. Also called: Charcot-Marie-Tooth disease, type IV; Charcot-Marie-Tooth, Type 4. Identifiers: Orphanet 64749, MedGen C4082197, MONDO:0018995.

Allele frequency attached by ClinVar (database versions not stated): gnomAD exomes below 0.00001.
gnomAD v4.1: 1 of 1,609,814 alleles (0.000062%); highest among the groups gnomAD compares: South Asian, 0.0011%; no homozygotes.

Submission:

Labcorp Genetics (formerly Invitae), Labcorp
Classification: Uncertain significance for Charcot-Marie-Tooth disease type 4. Last evaluated: 2021-08-24. Review status: criteria provided, single submitter. Criteria: Invitae Variant Classification Sherloc (09022015). Collection method: clinical testing. Allele origin: germline.
Comment: This sequence change replaces glycine with glutamic acid at codon 120 of the FIG4 protein (p.Gly120Glu). The glycine residue is highly conserved and there is a moderate physicochemical difference between glycine and glutamic acid. This variant is not present in population databases (ExAC no frequency). This variant has not been reported in the literature in individuals affected with FIG4-related conditions. Algorithms developed to predict the effect of missense changes on protein structure and function are either unavailable or do not agree on the potential impact of this missense change (SIFT: "Deleterious"; PolyPhen-2: "Probably Damaging"; Align-GVGD: "Class C0"). In summary, the available evidence is currently insufficient to determine the role of this variant in disease. Therefore, it has been classified as a Variant of Uncertain Significance.

NM_014845.6(FIG4):c.359G>A (p.Gly120Glu)

Gene: FIG4 (FIG4 phosphoinositide 5-phosphatase; plus strand). Cytogenetic location: 6q21.
Variant type: single nucleotide variant.
Coding change: c.359G>A on transcript NM_014845.6 (MANE Select); coding-DNA position 359, G replaced by A.
Protein change: p.Gly120Glu; replaces glycine 120 with glutamic acid.
Molecular consequence: missense variant.
Genome position (GRCh38, 1-based): chr6:109,727,178, G>A. VCF-style: chr6-109727178-G-A. GRCh37 (hg19) VCF-style: chr6-110048381-G-A.
Other names: short protein forms G120E.
Identifiers: ClinVar variation 947907 (VCV000947907.7), dbSNP rs1775846393, ClinGen allele CA365216148.
Genomic context (GRCh38, chr6:109,727,178, plus strand): 5'-GGTTCTTAGAAGGCTATTATATTGTGTTAATAACTAAAAGGAGGAAGATGGCGGATATTG[G>A]AGGTCATGCAATCTATAAGGTCGAAGATACAAATATGATCTATATACCCAATGATTCTGT-3'
Protein context (NP_055660.1, residues 110-130): ITKRRKMADI[Gly120Glu]GHAIYKVEDT